The following is an entry in ClinVar:

ClinVar aggregate classification (germline): Conflicting classifications of pathogenicity. Review status: criteria provided, conflicting classifications (1 of 4 stars). 4 submissions from 4 submitters: Uncertain significance (1); Likely benign (1). 2 of the submissions do not count toward it. Last evaluated 2026-01-31.

Conditions:
RECQL4-related disorder. Also called: RECQL4-related condition; RECQL4-related disorders.
Baller-Gerold syndrome (BGS). Also called: CRANIOSYNOSTOSIS WITH RADIAL DEFECTS. Identifiers: Orphanet 1225, MedGen C0265308, MONDO:0009039, OMIM 218600.

Allele frequency attached by ClinVar (database versions not stated): TOPMed 0.00009; 1000 Genomes Project 30x 0.00031.
gnomAD v4.1: 28 of 1,612,384 alleles (0.0017%); highest among the groups gnomAD compares: African/African-American, 0.031%; no homozygotes.

Submissions (4):

Labcorp Genetics (formerly Invitae), Labcorp
Classification: Likely benign for Baller-Gerold syndrome. Last evaluated: 2026-01-31. Review status: criteria provided, single submitter. Criteria: Invitae Variant Classification Sherloc (09022015). Collection method: clinical testing. Allele origin: germline.

Eurofins Ntd Llc (ga)
Classification: Uncertain significance. Last evaluated: 2016-10-07. Review status: criteria provided, single submitter. Criteria: EGL Classification Definitions 2015. Collection method: clinical testing. Allele origin: germline. Observed: 1 variant allele, 1 heterozygote.

Genetic Services Laboratory, University of Chicago
Classification: Likely benign. Last evaluated: 2022-11-28. Review status: no assertion criteria provided. Collection method: clinical testing. Allele origin: germline. Affected: no. Not counted in ClinVar's aggregate classification.

PreventionGenetics, part of Exact Sciences
Classification: Likely benign for RECQL4-related condition. Last evaluated: 2019-08-13. Review status: no assertion criteria provided. Collection method: clinical testing. Allele origin: germline. Not counted in ClinVar's aggregate classification.
Comment: This variant is classified as likely benign based on ACMG/AMP sequence variant interpretation guidelines (Richards et al. 2015 PMID: 25741868, with internal and published modifications).

NM_004260.4(RECQL4):c.3624C>A (p.Arg1208=)

Gene: RECQL4 (RecQ like helicase 4; minus strand). Cytogenetic location: 8q24.3.
Variant type: single nucleotide variant.
Coding change: c.3624C>A on transcript NM_004260.4 (MANE Select); coding-DNA position 3624, C replaced by A.
Protein change: p.Arg1208=; no amino-acid change (arginine 1208 retained).
Molecular consequence: synonymous variant.
Genome position (GRCh38, 1-based): chr8:144,511,434, G>T on the plus strand (C>A on the coding strand, the complement: RECQL4 is on the minus strand). VCF-style: chr8-144511434-G-T. GRCh37 (hg19) VCF-style: chr8-145736817-G-T.
Identifiers: ClinVar variation 459495 (VCV000459495.18), dbSNP rs56341125, ClinGen allele CA4947619.